The following is an entry in ClinVar:

NM_172351.3(CD46):c.796G>A (p.Asp266Asn)

Gene: CD46 (CD46 molecule; plus strand). Cytogenetic location: 1q32.2.
Variant type: single nucleotide variant.
Coding change: c.796G>A on transcript NM_172351.3 (MANE Select); coding-DNA position 796, G replaced by A.
Protein change: p.Asp266Asn; replaces aspartic acid 266 with asparagine.
Molecular consequence: missense variant.
Genome position (GRCh38, 1-based): chr1:207,767,135, G>A. VCF-style: chr1-207767135-G-A. GRCh37 (hg19) VCF-style: chr1-207940480-G-A.
Other names: p.Asp266Asn; c.796G>A, p.Asp266Asn (NM_002389.4, NM_153826.4, NM_172350.3 and 8 more transcripts); short protein forms D266N.
Identifiers: ClinVar variation 791827 (VCV000791827.24), dbSNP rs17006830, ClinGen allele CA1371728.

ClinVar aggregate classification (germline): Conflicting classifications of pathogenicity. Review status: criteria provided, conflicting classifications (1 of 4 stars). 8 submissions from 8 submitters: Uncertain significance (1); Benign (3); Likely benign (4). Last evaluated 2026-01-24.

Conditions:
Kidney disorder. Also called: renal disorder; Nephropathy; Kidney disease; Kidney Diseases; renal disease. Identifiers: MedGen C0022658, MONDO:0005240, HP:0000112.
Atypical hemolytic-uremic syndrome with MCP/CD46 anomaly. Also called: HEMOLYTIC UREMIC SYNDROME, ATYPICAL, SUSCEPTIBILITY TO, 2; AHUS, SUSCEPTIBILITY TO, 2. Identifiers: Orphanet 2134, MedGen C2752040, MONDO:0013040, OMIM 612922.
Atypical hemolytic-uremic syndrome. Identifiers: Orphanet 2134, MedGen C2931788, MONDO:0016244.

Allele frequency attached by ClinVar (database versions not stated): gnomAD exomes 0.00033 and 0.00091; ExAC 0.00122; gnomAD 0.00346 and 0.00369; 1000 Genomes Project 30x 0.00375; TOPMed 0.00394; ESP Exome Variant Server 0.00415; 1000 Genomes Project 0.00439.
gnomAD v4.1: 1,042 of 1,613,836 alleles (0.065%); highest among the groups gnomAD compares: African/African-American, 1.2%; 7 homozygotes.

Submissions (8):

Labcorp Genetics (formerly Invitae), Labcorp
Classification: Benign. Last evaluated: 2026-01-24. Review status: criteria provided, single submitter. Criteria: Invitae Variant Classification Sherloc (09022015). Collection method: clinical testing. Allele origin: germline.

Genomenon, Inc
Classification: Benign for Atypical hemolytic-uremic syndrome. Last evaluated: 2025-10-02. Review status: criteria provided, single submitter. Criteria: Genomenon Sequence Variant Interpretation Standards. Collection method: curation. Allele origin: germline. Affected: no.
Comment: CD46 p.Asp266Asn (c.796G>A) is a missense variant that changes the amino acid at residue 266 from Aspartic acid to Asparagine. This variant has been reported in the published literature (PMID:18371543). This variant is present at high allele frequency in population databases. In conclusion, we classify CD46 p.Asp266Asn (c.796G>A) as a benign variant.

Mayo Clinic Laboratories, Mayo Clinic
Classification: Likely benign. Last evaluated: 2025-09-23. Review status: criteria provided, single submitter. Criteria: ACMG Guidelines, 2015. Collection method: clinical testing. Allele origin: germline. Observed: 16 variant alleles.
Comment: BS1, BP4_moderate

Blueprint Genetics
Classification: Likely benign. Last evaluated: 2024-11-12. Review status: criteria provided, single submitter. Criteria: ACMG Guidelines, 2015. Collection method: clinical testing. Allele origin: germline.

Fulgent Genetics
Classification: Likely benign for Atypical hemolytic-uremic syndrome with MCP/CD46 anomaly. Last evaluated: 2021-10-01. Review status: criteria provided, single submitter. Criteria: ACMG Guidelines, 2015. Collection method: clinical testing. Allele origin: unknown.

Genome Diagnostics Laboratory, The Hospital for Sick Children
Classification: Uncertain significance for Kidney disorder. Last evaluated: 2020-01-01. Review status: criteria provided, single submitter. Criteria: ACMG Guidelines, 2015. Collection method: clinical testing. Allele origin: germline.

Genetic Services Laboratory, University of Chicago
Classification: Benign. Last evaluated: 2019-03-26. Review status: criteria provided, single submitter. Criteria: ACMG Guidelines, 2015. Collection method: clinical testing. Allele origin: germline. Affected: no.

Illumina Laboratory Services, Illumina
Classification: Likely benign for Atypical hemolytic-uremic syndrome with MCP/CD46 anomaly. Last evaluated: 2018-01-13. Review status: criteria provided, single submitter. Criteria: ICSL Variant Classification Criteria 13 December 2019. Collection method: clinical testing. Allele origin: germline.
Comment: This variant was observed in the ICSL laboratory as part of a predisposition screen in an ostensibly healthy population. It had not been previously curated by ICSL or reported in the Human Gene Mutation Database (HGMD: prior to June 1st, 2018), and was therefore a candidate for classification through an automated scoring system. Utilizing variant allele frequency, disease prevalence and penetrance estimates, and inheritance mode, an automated score was calculated to assess if this variant is too frequent to cause the disease. Based on the score and internal cut-off values, a variant classified as likely benign is not then subjected to further curation. The score for this variant resulted in a classification of likely benign for this disease.

Literature cited by the submitters: PubMed 18371543 (cited by Genomenon, Inc).